The following is an entry in ClinVar:

NM_032043.3(BRIP1):c.2485C>T (p.Leu829Phe)

Gene: BRIP1 (BRCA1 interacting DNA helicase 1; minus strand). Cytogenetic location: 17q23.2.
Variant type: single nucleotide variant.
Coding change: c.2485C>T on transcript NM_032043.3 (MANE Select); coding-DNA position 2485, C replaced by T.
Protein change: p.Leu829Phe; replaces leucine 829 with phenylalanine.
Molecular consequence: missense variant.
Genome position (GRCh38, 1-based): chr17:61,715,958, G>A on the plus strand (C>T on the coding strand, the complement: BRIP1 is on the minus strand). VCF-style: chr17-61715958-G-A. GRCh37 (hg19) VCF-style: chr17-59793319-G-A.
Other names: short protein forms L829F.
Identifiers: ClinVar variation 1791980 (VCV001791980.3), dbSNP rs2544696022, ClinGen allele CA400479407.

ClinVar aggregate classification (germline): Uncertain significance (1 of 4 stars; one submission).

Conditions:
Hereditary cancer-predisposing syndrome. Also called: Hereditary Cancer Syndrome; Hereditary neoplastic syndrome; Tumor predisposition; Neoplastic Syndromes, Hereditary. Identifiers: Orphanet 140162, MedGen C0027672, MeSH D009386, MONDO:0015356.

Submission:

Ambry Genetics
Classification: Uncertain significance for Hereditary cancer-predisposing syndrome. Last evaluated: 2024-05-23. Review status: criteria provided, single submitter. Criteria: Ambry Variant Classification Scheme 2023. Collection method: clinical testing. Allele origin: germline.
Comment: The p.L829F variant (also known as c.2485C>T), located in coding exon 16 of the BRIP1 gene, results from a C to T substitution at nucleotide position 2485. The leucine at codon 829 is replaced by phenylalanine, an amino acid with highly similar properties. This amino acid position is conserved. In addition, this alteration is predicted to be deleterious by in silico analysis. Since supporting evidence is limited at this time, the clinical significance of this alteration remains unclear.